The following is an entry in ClinVar:

ClinVar aggregate classification (germline): Pathogenic. Review status: criteria provided, multiple submitters, no conflicts (2 of 4 stars). 2 submissions from 2 submitters: Pathogenic (2). Last evaluated 2023-06-05.

Conditions:
Rare genetic deafness. Identifiers: Orphanet 96210, MedGen C5680250.

Allele frequency attached by ClinVar (database versions not stated): gnomAD exomes below 0.00001; TOPMed below 0.00001; gnomAD 0.00001.

Submissions (2):

Labcorp Genetics (formerly Invitae), Labcorp
Classification: Pathogenic. Last evaluated: 2023-06-05. Review status: criteria provided, single submitter. Criteria: Invitae Variant Classification Sherloc (09022015). Collection method: clinical testing. Allele origin: germline.
Comment: For these reasons, this variant has been classified as Pathogenic. This premature translational stop signal has been observed in individual(s) with deafness (PMID: 29692870). The frequency data for this variant in the population databases is considered unreliable, as metrics indicate poor data quality at this position in the gnomAD database. This sequence change creates a premature translational stop signal (p.Arg2298*) in the MYO15A gene. It is expected to result in an absent or disrupted protein product. Loss-of-function variants in MYO15A are known to be pathogenic (PMID: 17546645).

Laboratory for Molecular Medicine, Mass General Brigham Personalized Medicine
Classification: Pathogenic for Rare genetic deafness. Last evaluated: 2022-11-03. Review status: criteria provided, single submitter. Criteria: ACMG Guidelines, 2015. Collection method: clinical testing. Allele origin: germline.
Comment: The p.Arg2298X variant in MYO15A has been reported in at least 1 homozygous and 1 compound heterozygous individuals with nonsyndromic hearing loss and segregated with disease in 1 affected family member (Chen 2018 PMID: 29692870, Ma 2018 PMID: 30068307). It was identified in 1/68020 of European chromosomes by gnomAD. This nonsense variant leads to a premature termination codon at position 2298, which is predicted to lead to a truncated or absent protein. Loss of function of the MYO15A gene is an established disease mechanism in autosomal recessive nonsyndromic hearing loss. In summary, this variant meets criteria to be classified as pathogenic for autosomal recessive nonsyndromic hearing loss. ACMG/AMP Criteria applied: PM2_Spporting, PVS1, PM3.

Literature cited by the submitters: PubMed 29692870 (cited by Labcorp Genetics (formerly Invitae), Labcorp); PubMed 17546645 (cited by Labcorp Genetics (formerly Invitae), Labcorp).

NM_016239.4(MYO15A):c.6892C>T (p.Arg2298Ter)

Gene: MYO15A (myosin XVA; plus strand). Cytogenetic location: 17p11.2.
Variant type: single nucleotide variant.
Coding change: c.6892C>T on transcript NM_016239.4 (MANE Select); coding-DNA position 6892, C replaced by T.
Protein change: p.Arg2298Ter; replaces arginine 2298 with a stop codon.
Molecular consequence: nonsense.
Genome position (GRCh38, 1-based): chr17:18,148,888, C>T. VCF-style: chr17-18148888-C-T. GRCh37 (hg19) VCF-style: chr17-18052202-C-T.
Other names: short protein forms R2298*.
Identifiers: ClinVar variation 2910415 (VCV002910415.4), dbSNP rs900747631, ClinGen allele CA288409318.